The following is an entry in ClinVar:

ClinVar aggregate classification (germline): Uncertain significance. Review status: criteria provided, multiple submitters, no conflicts (2 of 4 stars). 4 submissions from 4 submitters: Uncertain significance (4). Last evaluated 2025-12-21.

Conditions:
DICER1-related tumor predisposition. Also called: DICER1-related pleuropulmonary blastoma cancer predisposition syndrome; DICER1 syndrome. Identifiers: Orphanet 284343, MedGen C3839822, MONDO:0100216.
Hereditary cancer-predisposing syndrome. Also called: Tumor predisposition; Neoplastic Syndromes, Hereditary; Hereditary Cancer Syndrome; Hereditary neoplastic syndrome. Identifiers: Orphanet 140162, MedGen C0027672, MeSH D009386, MONDO:0015356.

Allele frequency attached by ClinVar (database versions not stated): gnomAD 0.00001; gnomAD exomes 0.00001; TOPMed 0.00001.
gnomAD v4.1: 5 of 1,613,942 alleles (0.00031%); highest among the groups gnomAD compares: African/African-American, 0.004%; no homozygotes.

Submissions (4):

Labcorp Genetics (formerly Invitae), Labcorp
Classification: Uncertain significance for DICER1-related tumor predisposition. Last evaluated: 2025-12-21. Review status: criteria provided, single submitter. Criteria: Invitae Variant Classification Sherloc (09022015). Collection method: clinical testing. Allele origin: germline.
Comment: This sequence change replaces serine, which is neutral and polar, with phenylalanine, which is neutral and non-polar, at codon 591 of the DICER1 protein (p.Ser591Phe). This variant is not present in population databases (gnomAD no frequency). This variant has not been reported in the literature in individuals affected with DICER1-related conditions. ClinVar contains an entry for this variant (Variation ID: 477060). Invitae Evidence Modeling of protein sequence and biophysical properties (such as structural, functional, and spatial information, amino acid conservation, physicochemical variation, residue mobility, and thermodynamic stability) indicates that this missense variant is not expected to disrupt DICER1 protein function with a negative predictive value of 95%. In summary, the available evidence is currently insufficient to determine the role of this variant in disease. Therefore, it has been classified as a Variant of Uncertain Significance.

Quest Diagnostics Nichols Institute San Juan Capistrano
Classification: Uncertain significance. Last evaluated: 2025-01-31. Review status: criteria provided, single submitter. Criteria: Quest Diagnostics criteria. Collection method: clinical testing. Allele origin: unknown.
Comment: The DICER1 c.1772C>T (p.Ser591Phe) variant has not been reported in individuals with DICER1-related conditions in the published literature. The frequency of this variant in the general population (Genome Aggregation Database) is uninformative in the assessment of its pathogenicity. Analysis of this variant using bioinformatics tools for the prediction of the effect of amino acid changes on protein structure and function yielded conflicting predictions that this variant is deleterious or benign. Based on the available information, we are unable to determine the clinical significance of this variant.

Ambry Genetics
Classification: Uncertain significance for Hereditary cancer-predisposing syndrome. Last evaluated: 2024-01-10. Review status: criteria provided, single submitter. Criteria: Ambry Variant Classification Scheme 2023. Collection method: clinical testing. Allele origin: germline.
Comment: The p.S591F variant (also known as c.1772C>T), located in coding exon 10 of the DICER1 gene, results from a C to T substitution at nucleotide position 1772. The serine at codon 591 is replaced by phenylalanine, an amino acid with highly dissimilar properties. This amino acid position is highly conserved in available vertebrate species. In addition, the in silico prediction for this alteration is inconclusive. Since supporting evidence is limited at this time, the clinical significance of this alteration remains unclear.

GeneDx
Classification: Uncertain significance. Last evaluated: 2023-04-11. Review status: criteria provided, single submitter. Criteria: GeneDx Variant Classification Process June 2021. Collection method: clinical testing. Allele origin: germline. Affected: yes.
Comment: Not observed at significant frequency in large population cohorts (gnomAD); In silico analysis supports that this missense variant does not alter protein structure/function; Has not been previously published as pathogenic or benign to our knowledge

NM_177438.3(DICER1):c.1772C>T (p.Ser591Phe)

Gene: DICER1 (dicer 1, ribonuclease III; minus strand). Cytogenetic location: 14q32.13.
Variant type: single nucleotide variant.
Coding change: c.1772C>T on transcript NM_177438.3 (MANE Select); coding-DNA position 1772, C replaced by T.
Protein change: p.Ser591Phe; replaces serine 591 with phenylalanine.
Molecular consequence: missense variant.
Genome position (GRCh38, 1-based): chr14:95,115,802, G>A on the plus strand (C>T on the coding strand, the complement: DICER1 is on the minus strand). VCF-style: chr14-95115802-G-A. GRCh37 (hg19) VCF-style: chr14-95582139-G-A.
Other names: c.1772C>T, p.Ser591Phe (NM_001195573.1, NM_001271282.3, NM_001291628.2 and 1 more transcripts); short protein forms S591F.
Identifiers: ClinVar variation 477060 (VCV000477060.15), dbSNP rs1555372631, ClinGen allele CA390884161.
Genomic context (GRCh38, chr14:95,115,802, plus strand): 5'-AAAACGTCATCATCATCCATGACAGGATCAATGTCAGTCTCACCAGTATCAACCGACTTG[G>A]AACACTTGTTTCTCAAGATCTGAACATTTAAAAAACAGAACTTATGATGAAAACACATCC-3'
Protein context (NP_803187.1, residues 581-601): AIEKILRNKC[Ser591Phe]KSVDTGETDI